The following is an entry in ClinVar:

NM_000093.5(COL5A1):c.3451C>T (p.Pro1151Ser)

Gene: COL5A1 (collagen type V alpha 1 chain; plus strand). Cytogenetic location: 9q34.3.
Variant type: single nucleotide variant.
Coding change: c.3451C>T on transcript NM_000093.5 (MANE Select); coding-DNA position 3451, C replaced by T.
Protein change: p.Pro1151Ser; replaces proline 1151 with serine.
Molecular consequence: missense variant.
Genome position (GRCh38, 1-based): chr9:134,809,267, C>T. VCF-style: chr9-134809267-C-T. GRCh37 (hg19) VCF-style: chr9-137701113-C-T.
Other names: c.3451C>T, p.Pro1151Ser (NM_001278074.1); short protein forms P1151S.
Identifiers: ClinVar variation 3373342 (VCV003373342.1).

ClinVar aggregate classification (germline): Uncertain significance (1 of 4 stars; one submission).

gnomAD v4.1: 8 of 1,608,814 alleles (0.0005%); highest among the groups gnomAD compares: Non-Finnish European, 0.00068%; no homozygotes.

Submission:

GeneDx
Classification: Uncertain significance. Last evaluated: 2024-05-01. Review status: criteria provided, single submitter. Criteria: GeneDx Variant Classification Process June 2021. Collection method: clinical testing. Allele origin: germline. Affected: yes.
Comment: Not observed at significant frequency in large population cohorts (gnomAD); In silico analysis supports that this missense variant has a deleterious effect on protein structure/function; Has not been previously published as pathogenic or benign to our knowledge